The following is an entry in ClinVar:

NM_022356.4(P3H1):c.689C>T (p.Ala230Val)

Gene: P3H1 (prolyl 3-hydroxylase 1; minus strand). Cytogenetic location: 1p34.2.
Variant type: single nucleotide variant.
Coding change: c.689C>T on transcript NM_022356.4 (MANE Select); coding-DNA position 689, C replaced by T.
Protein change: p.Ala230Val; replaces alanine 230 with valine.
Molecular consequence: missense variant.
Genome position (GRCh38, 1-based): chr1:42,759,320, G>A on the plus strand (C>T on the coding strand, the complement: P3H1 is on the minus strand). VCF-style: chr1-42759320-G-A. GRCh37 (hg19) VCF-style: chr1-43224991-G-A.
Other names: c.689C>T, p.Ala230Val (NM_001146289.2, NM_001243246.2); short protein forms A230V.
Identifiers: ClinVar variation 289859 (VCV000289859.11), dbSNP rs369342678, ClinGen allele CA802097.

ClinVar aggregate classification (germline): Uncertain significance. Review status: criteria provided, multiple submitters, no conflicts (2 of 4 stars). 3 submissions from 3 submitters: Uncertain significance (3). Last evaluated 2023-04-11.

Conditions:
Osteogenesis imperfecta type 8 (OI8). Identifiers: MedGen C1970458, MONDO:0012581, OMIM 610915.

Allele frequency attached by ClinVar (database versions not stated): gnomAD exomes 0.00007 and 0.00010; ESP Exome Variant Server 0.00008; TOPMed 0.00009; ExAC 0.00010; gnomAD 0.00013.
gnomAD v4.1: 171 of 1,614,014 alleles (0.011%); highest among the groups gnomAD compares: Middle Eastern, 0.049%; 1 homozygote.

Submissions (3):

Genome-Nilou Lab
Classification: Uncertain significance for Osteogenesis imperfecta type 8. Last evaluated: 2023-04-11. Review status: criteria provided, single submitter. Criteria: ACMG Guidelines, 2015. Collection method: clinical testing. Allele origin: germline. Affected: no.

Labcorp Genetics (formerly Invitae), Labcorp
Classification: Uncertain significance for Osteogenesis imperfecta type 8. Last evaluated: 2022-09-07. Review status: criteria provided, single submitter. Criteria: Invitae Variant Classification Sherloc (09022015). Collection method: clinical testing. Allele origin: germline.
Comment: This sequence change replaces alanine, which is neutral and non-polar, with valine, which is neutral and non-polar, at codon 230 of the P3H1 protein (p.Ala230Val). This variant is present in population databases (rs369342678, gnomAD 0.01%). This variant has not been reported in the literature in individuals affected with P3H1-related conditions. ClinVar contains an entry for this variant (Variation ID: 289859). Algorithms developed to predict the effect of missense changes on protein structure and function (SIFT, PolyPhen-2, Align-GVGD) all suggest that this variant is likely to be tolerated. Algorithms developed to predict the effect of sequence changes on RNA splicing suggest that this variant may create or strengthen a splice site. In summary, the available evidence is currently insufficient to determine the role of this variant in disease. Therefore, it has been classified as a Variant of Uncertain Significance.

Eurofins Ntd Llc (ga)
Classification: Uncertain significance. Last evaluated: 2016-08-31. Review status: criteria provided, single submitter. Criteria: EGL Classification Definitions 2015. Collection method: clinical testing. Allele origin: germline. Observed: 1 variant allele, 1 heterozygote.